The following is an entry in ClinVar:

NM_018706.7(DHTKD1):c.1551G>A (p.Ala517=)

Gene: DHTKD1 (dehydrogenase E1 and transketolase domain containing 1; plus strand). Cytogenetic location: 10p14.
Variant type: single nucleotide variant.
Coding change: c.1551G>A on transcript NM_018706.7 (MANE Select); coding-DNA position 1551, G replaced by A.
Protein change: p.Ala517=; no amino-acid change (alanine 517 retained).
Molecular consequence: synonymous variant.
Genome position (GRCh38, 1-based): chr10:12,097,876, G>A. VCF-style: chr10-12097876-G-A. GRCh37 (hg19) VCF-style: chr10-12139875-G-A.
Identifiers: ClinVar variation 711563 (VCV000711563.32), dbSNP rs112910106, ClinGen allele CA5407883.

ClinVar aggregate classification (germline): Likely benign. Review status: criteria provided, multiple submitters, no conflicts (2 of 4 stars). 2 submissions from 2 submitters: Likely benign (2). Last evaluated 2025-12-01.

Conditions:
2-aminoadipic 2-oxoadipic aciduria (AAKAD). Also called: Aminoadipic aciduria; ALPHA-AMINOADIPIC AND ALPHA-KETOADIPIC ACIDURIA. Identifiers: Orphanet 79154, MedGen C1859817, MONDO:0008774, OMIM 204750.

Allele frequency attached by ClinVar (database versions not stated): gnomAD 0.00004 and 0.00006; gnomAD exomes 0.00005 and 0.00007; ExAC 0.00006; TOPMed 0.00006; ESP Exome Variant Server 0.00008; 1000 Genomes Project 0.00040; 1000 Genomes Project 30x 0.00047.
gnomAD v4.1: 127 of 1,614,212 alleles (0.0079%); highest among the groups gnomAD compares: African/African-American, 0.035%; 2 homozygotes.

Submissions (2):

Labcorp Genetics (formerly Invitae), Labcorp
Classification: Likely benign for 2-aminoadipic 2-oxoadipic aciduria. Last evaluated: 2025-12-01. Review status: criteria provided, single submitter. Criteria: Invitae Variant Classification Sherloc (09022015). Collection method: clinical testing. Allele origin: germline.

CeGaT Center for Human Genetics Tuebingen
Classification: Likely benign. Last evaluated: 2023-05-01. Review status: criteria provided, single submitter. Criteria: CeGaT Center For Human Genetics Tuebingen Variant Classification Criteria Version 2. Collection method: clinical testing. Allele origin: germline. Affected: yes. Observed: 1 variant allele.
Comment: DHTKD1: BP4, BP7